The following is an entry in ClinVar:

ClinVar aggregate classification (germline): Pathogenic/Likely pathogenic. Review status: criteria provided, multiple submitters, no conflicts (2 of 4 stars). 2 submissions from 2 submitters: Pathogenic (1); Likely pathogenic (1). Last evaluated 2023-05-17.

Conditions:
Xeroderma pigmentosum, group D (XPD). Also called: XERODERMA PIGMENTOSUM, COMPLEMENTATION GROUP D; XERODERMA PIGMENTOSUM IV; XP, GROUP D; XP, GROUP H; ERCC2-Related Xeroderma Pigmentosum. Identifiers: MedGen C0268138, MONDO:0010212, OMIM 278730.
Trichothiodystrophy 1, photosensitive (TTD1). Also called: TAY SYNDROME; TRICHOTHIODYSTROPHY WITH CONGENITAL ICHTHYOSIS; PIBIDS SYNDROME. Identifiers: Orphanet 33364, MedGen C1866504, MONDO:0011125, OMIM 601675.
Cerebrooculofacioskeletal syndrome 2 (COFS2). Identifiers: MedGen C1853102, MONDO:0012553, OMIM 610756.

Submissions (2):

Labcorp Genetics (formerly Invitae), Labcorp
Classification: Pathogenic. Last evaluated: 2023-05-17. Review status: criteria provided, single submitter. Criteria: Invitae Variant Classification Sherloc (09022015). Collection method: clinical testing. Allele origin: germline.
Comment: For these reasons, this variant has been classified as Pathogenic. This variant has not been reported in the literature in individuals affected with ERCC2-related conditions. This variant is not present in population databases (gnomAD no frequency). This sequence change creates a premature translational stop signal (p.Thr276Argfs*101) in the ERCC2 gene. It is expected to result in an absent or disrupted protein product. Loss-of-function variants in ERCC2 are known to be pathogenic (PMID: 9238033, 11335038, 19085937, 19934020).

Juno Genomics, Hangzhou Juno Genomics, Inc
Classification: Likely pathogenic for Cerebrooculofacioskeletal syndrome 2; Trichothiodystrophy 1, photosensitive; Xeroderma pigmentosum, group D. Review status: criteria provided, single submitter. Criteria: ACMG Guidelines, 2015. Collection method: clinical testing. Allele origin: germline.
Comment: Null variant in a gene where loss of function (LOF) is a known mechanism of disease.;Absent from controls (or at extremely low frequency if recessive) in Genome Aggregation Database.

Literature cited by the submitters: PubMed 9238033 (cited by Labcorp Genetics (formerly Invitae), Labcorp); PubMed 11335038 (cited by Labcorp Genetics (formerly Invitae), Labcorp); PubMed 19085937 (cited by Labcorp Genetics (formerly Invitae), Labcorp); PubMed 19934020 (cited by Labcorp Genetics (formerly Invitae), Labcorp).

NM_000400.4(ERCC2):c.827_828del (p.Thr276fs)

Gene: ERCC2 (ERCC excision repair 2, TFIIH core complex helicase subunit; minus strand). Cytogenetic location: 19q13.32.
Variant type: Deletion.
Coding change: c.827_828del on transcript NM_000400.4 (MANE Select); coding-DNA positions 827 to 828, 2 bases deleted (CA; older notation c.827_828delCA).
Protein change: p.Thr276fs; shifts the reading frame from threonine 276.
Molecular consequence: frameshift variant.
Genome position (GRCh38, 1-based): chr19:45,364,107-45,364,108, TG deleted on the plus strand (CA on the coding strand, the reverse complement: ERCC2 is on the minus strand); deleting any 2 consecutive bases within chr19:45,364,107-45,364,109 gives the same sequence; the c. name uses the placement nearest the transcript's 3' end. VCF-style (leftmost placement, unchanged base first): chr19-45364106-CTG-C. GRCh37 (hg19) VCF-style: chr19-45867364-CTG-C.
Other names: c.755_756del, p.Thr252fs (NM_001130867.2); short protein forms T252fs, T276fs.
Identifiers: ClinVar variation 2865210 (VCV002865210.5), dbSNP rs2514030262, ClinGen allele CA2739276867.